The following is an entry in ClinVar:

NM_001130438.3(SPTAN1):c.6155A>G (p.Lys2052Arg)

Gene: SPTAN1 (spectrin alpha, non-erythrocytic 1; plus strand). Cytogenetic location: 9q34.11.
Variant type: single nucleotide variant.
Coding change: c.6155A>G on transcript NM_001130438.3 (MANE Select); coding-DNA position 6155, A replaced by G.
Protein change: p.Lys2052Arg; replaces lysine 2052 with arginine.
Molecular consequence: missense variant.
Genome position (GRCh38, 1-based): chr9:128,625,854, A>G. VCF-style: chr9-128625854-A-G. GRCh37 (hg19) VCF-style: chr9-131388133-A-G.
Other names: c.6080A>G, p.Lys2027Arg (NM_001195532.2); c.6155A>G, p.Lys2052Arg (NM_001363759.2, NM_001375310.1, NM_001375311.2 and 1 more transcripts); c.6095A>G, p.Lys2032Arg (NM_001363765.2, NM_001375314.2); c.6191A>G, p.Lys2064Arg (NM_001375312.2, NM_001375318.1); c.6140A>G, p.Lys2047Arg (NM_003127.4); short protein forms K2032R, K2027R, K2047R, K2052R, K2064R.
Identifiers: ClinVar variation 1419975 (VCV001419975.8), dbSNP rs2131953509, ClinGen allele CA375086559.

ClinVar aggregate classification (germline): Conflicting classifications of pathogenicity. Review status: criteria provided, conflicting classifications (1 of 4 stars). 2 submissions from 2 submitters: Uncertain significance (1); Likely benign (1). Last evaluated 2024-09-20.

Conditions:
Early-infantile DEE. Also called: Early infantile epileptic encephalopathy; Ohtahara syndrome; Early infantile epileptic encephalopathy with suppression bursts. Identifiers: Orphanet 1934, MedGen C0393706, MONDO:0800491.
Neuronopathy, distal hereditary motor, autosomal dominant 11. Also called: NEUROPATHY, DISTAL HEREDITARY MOTOR, 11. Identifiers: MedGen C5882697, MONDO:0957875, OMIM 620528.
Spastic paraplegia 91, autosomal dominant, with or without cerebellar ataxia (SPG91). Identifiers: MedGen C5882701, MONDO:0957813, OMIM 620538.
Developmental delay with or without epilepsy (DEVEP). Identifiers: MedGen C5882702, MONDO:0957815, OMIM 620540.
Developmental and epileptic encephalopathy, 5 (DEE5). Identifiers: Orphanet 3451, MedGen C3150731, MONDO:0013277, OMIM 613477.

Submissions (2):

3billion
Classification: Likely benign for Developmental and epileptic encephalopathy, 5; Developmental delay with or without epilepsy; Neuronopathy, distal hereditary motor, autosomal dominant 11; Spastic paraplegia 91, autosomal dominant, with or without cerebellar ataxia. Last evaluated: 2024-09-20. Review status: criteria provided, single submitter. Criteria: ACMG Guidelines, 2015. Collection method: clinical testing. Allele origin: germline. Affected: no.
Comment: The variant was identified in at least one patient who was diagnosed with a different variant in another gene and showed no symptoms related to the gene containing the variant in question.

Labcorp Genetics (formerly Invitae), Labcorp
Classification: Uncertain significance for Early-infantile DEE. Last evaluated: 2021-08-02. Review status: criteria provided, single submitter. Criteria: Invitae Variant Classification Sherloc (09022015). Collection method: clinical testing. Allele origin: germline.
Comment: Algorithms developed to predict the effect of missense changes on protein structure and function (SIFT, PolyPhen-2, Align-GVGD) all suggest that this variant is likely to be tolerated. In summary, the available evidence is currently insufficient to determine the role of this variant in disease. Therefore, it has been classified as a Variant of Uncertain Significance. Algorithms developed to predict the effect of sequence changes on RNA splicing suggest that this variant may create or strengthen a splice site. This variant has not been reported in the literature in individuals affected with SPTAN1-related conditions. This variant is not present in population databases (ExAC no frequency). This sequence change replaces lysine with arginine at codon 2052 of the SPTAN1 protein (p.Lys2052Arg). The lysine residue is moderately conserved and there is a small physicochemical difference between lysine and arginine.